The following is an entry in ClinVar:

ClinVar aggregate classification (germline): Uncertain significance. Review status: criteria provided, multiple submitters, no conflicts (2 of 4 stars). 3 submissions from 3 submitters: Uncertain significance (3). Last evaluated 2025-12-31.

Conditions:
Spermatogenic failure 18. Identifiers: MedGen C4539783, MONDO:0054615, OMIM 617576.
Ciliary dyskinesia, primary, 37 (CILD37). Also called: CILIARY DYSKINESIA, PRIMARY, 37, WITH OR WITHOUT SITUS INVERSUS. Identifiers: MedGen C4539798, MONDO:0033204, OMIM 617577.

Allele frequency attached by ClinVar (database versions not stated): gnomAD exomes 0.00013 and 0.00005; gnomAD 0.00060 and 0.00058; ExAC 0.00020; ESP Exome Variant Server 0.00032; TOPMed 0.00066.
gnomAD v4.1: 172 of 1,613,170 alleles (0.011%); highest among the groups gnomAD compares: African/African-American, 0.2%; 1 homozygote.

Submissions (3):

GeneDx
Classification: Uncertain significance. Last evaluated: 2025-12-31. Review status: criteria provided, single submitter. Criteria: GeneDx Variant Classification Process June 2021. Collection method: clinical testing. Allele origin: germline.
Comment: Observed in the heterozygous state in a patient with year-round wet cough, dyspnea, persistent hypoxemia, wheezing, and crackles (PMID: 34277212); In silico analysis indicates that this missense variant does not alter protein structure/function; This variant is associated with the following publications: (PMID: 35626283, 34277212)

Labcorp Genetics (formerly Invitae), Labcorp
Classification: Uncertain significance for Ciliary dyskinesia, primary, 37; Spermatogenic failure 18. Last evaluated: 2024-01-04. Review status: criteria provided, single submitter. Criteria: Invitae Variant Classification Sherloc (09022015). Collection method: clinical testing. Allele origin: germline.
Comment: This sequence change replaces serine, which is neutral and polar, with asparagine, which is neutral and polar, at codon 537 of the DNAH1 protein (p.Ser537Asn). This variant is present in population databases (rs201302159, gnomAD 0.2%). This variant has not been reported in the literature in individuals affected with DNAH1-related conditions. ClinVar contains an entry for this variant (Variation ID: 658618). An algorithm developed to predict the effect of missense changes on protein structure and function (PolyPhen-2) suggests that this variant¬†is likely to be tolerated. In summary, the available evidence is currently insufficient to determine the role of this variant in disease. Therefore, it has been classified as a Variant of Uncertain Significance.

Revvity Omics, Revvity
Classification: Uncertain significance. Last evaluated: 2021-01-27. Review status: criteria provided, single submitter. Criteria: ACMG Guidelines, 2015. Collection method: clinical testing. Allele origin: germline.

NM_015512.5(DNAH1):c.1610G>A (p.Ser537Asn)

Gene: DNAH1 (dynein axonemal heavy chain 1; plus strand). Cytogenetic location: 3p21.1.
Variant type: single nucleotide variant.
Coding change: c.1610G>A on transcript NM_015512.5 (MANE Select); coding-DNA position 1610, G replaced by A.
Protein change: p.Ser537Asn; replaces serine 537 with asparagine.
Molecular consequence: missense variant.
Genome position (GRCh38, 1-based): chr3:52,345,660, G>A. VCF-style: chr3-52345660-G-A. GRCh37 (hg19) VCF-style: chr3-52379676-G-A.
Other names: short protein forms S537N.
Identifiers: ClinVar variation 658618 (VCV000658618.10), dbSNP rs201302159, ClinGen allele CA2433007.